The following is an entry in ClinVar:

NM_001042492.3(NF1):c.3541del (p.Glu1181fs)

Gene: NF1 (neurofibromin 1; plus strand). Cytogenetic location: 17q11.2.
Variant type: Deletion.
Coding change: c.3541del on transcript NM_001042492.3 (MANE Select); coding-DNA position 3541, one base deleted (G; older notation c.3541delG).
Protein change: p.Glu1181fs; shifts the reading frame from glutamic acid 1181.
Molecular consequence: frameshift variant.
Genome position (GRCh38, 1-based): chr17:31,233,046, G deleted; the last of 2 consecutive G bases (chr17:31,233,045-31,233,046); deleting either gives the same sequence. VCF-style (leftmost placement, unchanged base first): chr17-31233044-TG-T. GRCh37 (hg19) VCF-style: chr17-29560062-TG-T.
Other names: c.3541delG, p.Glu1181Lysfs (NM_000267.4); short protein forms E1181fs.
Identifiers: ClinVar variation 2633075 (VCV002633075.1), dbSNP rs2508237835, ClinGen allele CA2695201287.

ClinVar aggregate classification (germline): Pathogenic (1 of 4 stars; one submission).

Conditions:
NF1-related disorder. Also called: NF1-related condition. Identifiers: MedGen CN379171.

Submission:

PreventionGenetics, part of Exact Sciences
Classification: Pathogenic for NF1-related condition. Last evaluated: 2023-05-18. Review status: criteria provided, single submitter. Criteria: ACMG Guidelines, 2015. Collection method: clinical testing. Allele origin: germline.
Comment: The NF1 c.3541delG variant is predicted to result in a frameshift and premature protein termination (p.Glu1181Lysfs*3). This variant was reported in a large neurofibromatosis type 1 cohort (Supplementary data, Ho et al. 2022. PubMed ID: 35240321). This variant has not been reported in a large population database, indicating this variant is rare. Frameshift variants in NF1 are expected to be pathogenic. This variant is interpreted as pathogenic.